The following is an entry in ClinVar:

ClinVar aggregate classification (germline): Uncertain significance. Review status: criteria provided, multiple submitters, no conflicts (2 of 4 stars). 3 submissions from 3 submitters: Uncertain significance (3). Last evaluated 2025-06-23.

Conditions:
Hereditary cancer. Identifiers: MedGen C1333600.
Hereditary cancer-predisposing syndrome. Also called: Neoplastic Syndromes, Hereditary; Tumor predisposition; Hereditary neoplastic syndrome; Hereditary Cancer Syndrome. Identifiers: Orphanet 140162, MedGen C0027672, MeSH D009386, MONDO:0015356.
Lynch syndrome. Identifiers: Orphanet 144, MedGen C4552100, MONDO:0005835. Disease mechanism: loss of function.

Allele frequency attached by ClinVar (database versions not stated): gnomAD exomes below 0.00001 and 0.00001.
gnomAD v4.1: 6 of 1,611,590 alleles (0.00037%); highest among the groups gnomAD compares: Admixed American, 0.0083%; no homozygotes.

Submissions (3):

Mendelics
Classification: Uncertain significance for Hereditary cancer. Last evaluated: 2025-06-23. Review status: criteria provided, single submitter. Criteria: ACMG Guidelines, 2015. Collection method: clinical testing. Allele origin: unknown.
Comment: The available evidence is insufficient to conclusively determine the role of this variant. Therefore, it is classified as a Variant of Uncertain Significance.

All of Us Research Program, National Institutes of Health
Classification: Uncertain significance for Lynch syndrome. Last evaluated: 2024-09-23. Review status: criteria provided, single submitter. Criteria: ACMG Guidelines, 2015. Collection method: clinical testing. Allele origin: germline. Inheritance: Autosomal dominant inheritance. Observed: 4 variant alleles, 4 heterozygotes.
Comment: This missense variant replaces aspartic acid with tyrosine at codon 217 of the MSH6 protein. Computational prediction is inconclusive regarding the impact of this variant on protein structure and function (internally defined REVEL score threshold 0.5 < inconclusive < 0.7, PMID: 27666373). Splice site prediction tools suggest that this variant may not impact RNA splicing. To our knowledge, functional studies have not been performed for this variant. This variant has been reported in an individual affected with an early-onset colorectal cancer (PMID: 16940983). This variant has been identified in 3/247652 chromosomes in the general population by the Genome Aggregation Database (gnomAD). The available evidence is insufficient to determine the role of this variant in disease conclusively. Therefore, this variant is classified as a Variant of Uncertain Significance.

This study involves interpretation of variants in research participants for the purpose of population health screening. Participant phenotype was not available at the time of variant classification. Additional details can be found in publication PMID: 35346344, PMCID: PMC8962531

Ambry Genetics
Classification: Uncertain significance for Hereditary cancer-predisposing syndrome. Last evaluated: 2021-02-18. Review status: criteria provided, single submitter. Criteria: Ambry Variant Classification Scheme 2023. Collection method: clinical testing. Allele origin: germline.
Comment: The p.D217Y variant (also known as c.649G>T), located in coding exon 4 of the MSH6 gene, results from a G to T substitution at nucleotide position 649. The aspartic acid at codon 217 is replaced by tyrosine, an amino acid with highly dissimilar properties. This amino acid position is not well conserved in available vertebrate species. In addition, the in silico prediction for this alteration is inconclusive. Since supporting evidence is limited at this time, the clinical significance of this alteration remains unclear.

Literature cited by the submitters: PubMed 16940983 (cited by All of Us Research Program, National Institutes of Health and Ambry Genetics).

NM_000179.3(MSH6):c.649G>T (p.Asp217Tyr)

Gene: MSH6 (mutS homolog 6; plus strand). Cytogenetic location: 2p16.3.
Variant type: single nucleotide variant.
Coding change: c.649G>T on transcript NM_000179.3 (MANE Select); coding-DNA position 649, G replaced by T.
Protein change: p.Asp217Tyr; replaces aspartic acid 217 with tyrosine.
Molecular consequence: missense variant. On other transcripts: 5 prime UTR variant (2).
Genome position (GRCh38, 1-based): chr2:47,798,632, G>T. VCF-style: chr2-47798632-G-T. GRCh37 (hg19) VCF-style: chr2-48025771-G-T.
Other names: c.259G>T, p.Asp87Tyr (NM_001281492.2); c.-258G>T (NM_001281493.2, NM_001281494.2); short protein forms D87Y, D217Y.
Identifiers: ClinVar variation 826446 (VCV000826446.7), dbSNP rs950036621, ClinGen allele CA46706527.
Genomic context (GRCh38, chr2:47,798,632, plus strand): 5'-TTTTGATTTGTTTTTAAATACTCTTTCCTTGCCTGGCAGGTAGGCACAACTTACGTAACA[G>T]ATAAGAGTGAAGAAGATAATGAAATTGAGAGTGAAGAGGAAGTACAGCCTAAGACACAAG-3'
Protein context (NP_000170.1, residues 207-227): EMEVGTTYVT[Asp217Tyr]KSEEDNEIES